The following is an entry in ClinVar:

NM_032524.2(KRTAP4-4):c.279T>C (p.Thr93=)

Gene: KRTAP4-4 (keratin associated protein 4-4; minus strand). Cytogenetic location: 17q21.2.
Variant type: single nucleotide variant.
Coding change: c.279T>C on transcript NM_032524.2 (MANE Select); coding-DNA position 279, T replaced by C.
Protein change: p.Thr93=; no amino-acid change (threonine 93 retained).
Molecular consequence: synonymous variant.
Genome position (GRCh38, 1-based): chr17:41,160,413, A>G on the plus strand (T>C on the coding strand, the complement: KRTAP4-4 is on the minus strand). VCF-style: chr17-41160413-A-G. GRCh37 (hg19) VCF-style: chr17-39316665-A-G.
Identifiers: ClinVar variation 2647760 (VCV002647760.24), dbSNP rs1249508757, ClinGen allele CA500193380.

ClinVar aggregate classification (germline): Likely benign (1 of 4 stars; one submission).

Allele frequency attached by ClinVar (database versions not stated): gnomAD exomes below 0.00001.

Submission:

CeGaT Center for Human Genetics Tuebingen
Classification: Likely benign. Last evaluated: 2023-02-01. Review status: criteria provided, single submitter. Criteria: CeGaT Center For Human Genetics Tuebingen Variant Classification Criteria Version 2. Collection method: clinical testing. Allele origin: germline. Affected: yes. Observed: 1 variant allele.
Comment: KRTAP4-4: BP4, BP7